The following is an entry in ClinVar:

NM_006846.4(SPINK5):c.719C>G (p.Thr240Arg)

Gene: SPINK5 (serine peptidase inhibitor Kazal type 5; plus strand). Cytogenetic location: 5q32.
Variant type: single nucleotide variant.
Coding change: c.719C>G on transcript NM_006846.4 (MANE Select); coding-DNA position 719, C replaced by G.
Protein change: p.Thr240Arg; replaces threonine 240 with arginine.
Molecular consequence: missense variant.
Genome position (GRCh38, 1-based): chr5:148,094,406, C>G. VCF-style: chr5-148094406-C-G. GRCh37 (hg19) VCF-style: chr5-147473969-C-G.
Other names: c.719C>G, p.Thr240Arg (NM_001127698.2, NM_001127699.2); short protein forms T240R.
Identifiers: ClinVar variation 1014693 (VCV001014693.10), dbSNP rs528798568, ClinGen allele CA3495325.

ClinVar aggregate classification (germline): Uncertain significance (1 of 4 stars; one submission).

Conditions:
Ichthyosis linearis circumflexa. Identifiers: MedGen C0265962, MONDO:0043106, HP:0025810.

Allele frequency attached by ClinVar (database versions not stated): gnomAD exomes below 0.00001; ExAC 0.00001; gnomAD 0.00001; 1000 Genomes Project 30x 0.00016; 1000 Genomes Project 0.00020.
gnomAD v4.1: 1 of 1,612,716 alleles (0.000062%); highest among the groups gnomAD compares: South Asian, 0.0011%; no homozygotes.

Submission:

Labcorp Genetics (formerly Invitae), Labcorp
Classification: Uncertain significance for Ichthyosis linearis circumflexa. Last evaluated: 2020-02-17. Review status: criteria provided, single submitter. Criteria: Invitae Variant Classification Sherloc (09022015). Collection method: clinical testing. Allele origin: germline.
Comment: This variant has not been reported in the literature in individuals with SPINK5-related conditions. In summary, the available evidence is currently insufficient to determine the role of this variant in disease. Therefore, it has been classified as a Variant of Uncertain Significance. Algorithms developed to predict the effect of missense changes on protein structure and function are either unavailable or do not agree on the potential impact of this missense change (SIFT: "Deleterious"; PolyPhen-2: "Probably Damaging"; Align-GVGD: "Class C0"). This variant is present in population databases (rs528798568, ExAC 0.006%). This sequence change replaces threonine with arginine at codon 240 of the SPINK5 protein (p.Thr240Arg). The threonine residue is highly conserved and there is a moderate physicochemical difference between threonine and arginine.